The following is an entry in ClinVar:

NM_001256789.3(CACNA1F):c.5155C>T (p.Pro1719Ser)

Gene: CACNA1F (calcium voltage-gated channel subunit alpha1 F; minus strand). Cytogenetic location: Xp11.23.
Variant type: single nucleotide variant.
Coding change: c.5155C>T on transcript NM_001256789.3 (MANE Select); coding-DNA position 5155, C replaced by T.
Protein change: p.Pro1719Ser; replaces proline 1719 with serine.
Molecular consequence: missense variant.
Genome position (GRCh38, 1-based): chrX:49,207,081, G>A on the plus strand (C>T on the coding strand, the complement: CACNA1F is on the minus strand). VCF-style: chrX-49207081-G-A. GRCh37 (hg19) VCF-style: chrX-49063542-G-A.
Other names: c.4993C>T, p.Pro1665Ser (NM_001256790.3); c.5188C>T, p.Pro1730Ser (NM_005183.4); short protein forms P1665S, P1719S, P1730S.
Identifiers: ClinVar variation 3608671 (VCV003608671.3).

ClinVar aggregate classification (germline): Conflicting classifications of pathogenicity. Review status: criteria provided, conflicting classifications (1 of 4 stars). 2 submissions from 2 submitters: Uncertain significance (1); Likely benign (1). Last evaluated 2024-10-19.

gnomAD v4.1: 13 of 1,195,947 alleles (0.0011%); highest among the groups gnomAD compares: Middle Eastern, 0.023%; no homozygotes.

Submissions (2):

Labcorp Genetics (formerly Invitae), Labcorp
Classification: Uncertain significance. Last evaluated: 2024-10-19. Review status: criteria provided, single submitter. Criteria: Invitae Variant Classification Sherloc (09022015). Collection method: clinical testing. Allele origin: germline.
Comment: This sequence change replaces proline, which is neutral and non-polar, with serine, which is neutral and polar, at codon 1730 of the CACNA1F protein (p.Pro1730Ser). This variant is present in population databases (rs782547405, gnomAD 0.004%). This variant has not been reported in the literature in individuals affected with CACNA1F-related conditions. An algorithm developed to predict the effect of missense changes on protein structure and function (PolyPhen-2) suggests that this variant is likely to be tolerated. In summary, the available evidence is currently insufficient to determine the role of this variant in disease. Therefore, it has been classified as a Variant of Uncertain Significance.

Blueprint Genetics
Classification: Likely benign. Last evaluated: 2023-06-26. Review status: criteria provided, single submitter. Criteria: ACMG Guidelines, 2015. Collection method: clinical testing. Allele origin: germline.